The following is an entry in ClinVar:

ClinVar aggregate classification (germline): Conflicting classifications of pathogenicity. Review status: criteria provided, conflicting classifications (1 of 4 stars). 4 submissions from 4 submitters: Uncertain significance (1); Benign (1); Likely benign (2). Last evaluated 2026-09-23.

Conditions:
Huntington disease (HD). Also called: Huntington's chorea; Huntington's disease; HUNTINGTON CHOREA. Identifiers: Orphanet 248111, Orphanet 399, MedGen C0020179, MONDO:0007739, OMIM 143100.

Submissions (4):

Department Of Human Genetics, Institute Of Clinical And Translational Research, Biomedical Research Center, Slovak Academy Of Sciences
Classification: Uncertain significance for Huntington disease. Last evaluated: 2026-09-23. Review status: criteria provided, single submitter. Criteria: ACMG Guidelines for Huntington disease, 2014. Collection method: research. Allele origin: germline. Inheritance: Autosomal dominant inheritance.
Comment: The NC_000004.12.g.3074878_3074940AGC[29]AAC[1]AGC[1] allele represents a complex trinucleotide repeat sequence in the HTT (huntingtin) gene. The repeat tract consists of 29 consecutive AGC repeats, followed by one AAC repeat and one additional AGC repeat. This sequence corresponds to 29 uninterrupted glutamine-encoding units or 31 interrupted glutamine-encoding repeat units (this count the AAC interruption and the additional AGC to the total number of repeats on the DNA level, while all resulting in glutamine residues at the protein level). Huntington disease (HD) is an autosomal dominant neurodegenerative disorder caused by an expansion of the CAG trinucleotide repeat in exon 1 of the HTT gene. HTT alleles containing 26 or fewer CAG repeats are considered within the normal range, whereas alleles containing 27–35 repeats are classified as intermediate/premutation, 36-39 repeats as reduced-penetrance pathogenic alleles, and 40 or more repeats as full-penetrance pathogenic alleles. Based on both the 29 uninterrupted repeats and the 31 total repeats including interruptions, this allele is classified as intermediate/premutation. At the time of submission, however, ClinVar does not support such classification. Therefore we classify the allele as VUS, since it is not connected to symptoms directly, but it is clinically relevant due to the anticipated genetic instability. The allele reached 0.16% frequency in the general population of Slovakia (in 609 genotyped alleles).

Laboratory of Genetics, Children's Clinical University Hospital Latvia
Classification: Benign. Last evaluated: 2025-02-16. Review status: criteria provided, single submitter. Criteria: ACMG Guidelines, 2015. Collection method: clinical testing. Allele origin: germline. Affected: yes.

Blueprint Genetics
Classification: Likely benign. Last evaluated: 2024-11-25. Review status: criteria provided, single submitter. Criteria: ACMG Guidelines, 2015. Collection method: clinical testing. Allele origin: germline.

CeGaT Center for Human Genetics Tuebingen
Classification: Likely benign. Last evaluated: 2022-12-01. Review status: criteria provided, single submitter. Criteria: CeGaT Center For Human Genetics Tuebingen Variant Classification Criteria Version 2. Collection method: clinical testing. Allele origin: germline. Affected: yes. Observed: 1 variant allele.
Comment: HTT: BS2

NM_001388492.1(HTT):c.54GCA[31] (p.Gln38_Pro39insGlnGlnGlnGlnGlnGlnGlnGlnGlnGlnGlnGln)

Genes: HTT (huntingtin; plus strand), LOC129929027 (ATAC-STARR-seq lymphoblastoid silent region 15199; plus strand), LOC109461479 (huntingtin repeat instability region; plus strand). Cytogenetic location: 4p16.3.
Variant type: Microsatellite.
Coding change: c.54GCA[31] on transcript NM_001388492.1 (MANE Select); 31 copies in a row of the 3-base unit GCA starting at c.54.
Protein change: p.Gln38_Pro39insGlnGlnGlnGlnGlnGlnGlnGlnGlnGlnGlnGln.
Molecular consequence: inframe insertion.
Genome position: GRCh38 VCF-style: chr4-3074876-C-CCAGCAGCAGCAGCAGCAGCAGCAGCAGCAG. GRCh37 (hg19) VCF-style: chr4-3076603-C-CCAGCAGCAGCAGCAGCAGCAGCAGCAGCAG.
Other names: c.54GCA[31], p.Gln40_Pro41insGlnGlnGlnGlnGlnGlnGlnGlnGlnGln (NM_002111.8).
Identifiers: ClinVar variation 2654593 (VCV002654593.27), dbSNP rs71180116, ClinGen allele CA917115269.
Genomic context (GRCh38, chr4:3,074,876, plus strand): 5'-GGAGACCGCCATGGCGACCCTGGAAAAGCTGATGAAGGCCTTCGAGTCCCTCAAGTCCTT[C>CCAGCAGCAGCAGCAGCAGCAGCAGCAGCAG]CAGCAGCAGCAGCAGCAGCAGCAGCAGCAGCAGCAGCAGCAGCAGCAGCAGCAGCAGCAA-3'